The following is an entry in ClinVar:

ClinVar aggregate classification (germline): Benign (1 of 4 stars; one submission).

Submission:

CeGaT Center for Human Genetics Tuebingen
Classification: Benign. Last evaluated: 2026-07-01. Review status: criteria provided, single submitter. Criteria: CeGaT Center For Human Genetics Tuebingen Variant Classification Criteria Version 2. Collection method: clinical testing. Allele origin: germline. Affected: yes. Observed: 7 variant alleles.
Comment: KCNQ1OT1: BS1, BS2

NM_000218.3(KCNQ1):c.1394-17731_1394-17727dup

Genes: KCNQ1 (potassium voltage-gated channel subfamily Q member 1; plus strand), KCNQ1OT1 (KCNQ1 opposite strand/antisense transcript 1; minus strand). Cytogenetic location: 11p15.5.
Variant type: Duplication.
Coding change: c.1394-17731_1394-17727dup on transcript NM_000218.3 (MANE Select); 17731 bases into the intron before coding-DNA position 1394 through 17727 bases into the intron before coding-DNA position 1394, 5 bases duplicated (CACCT; older notation c.1394-17731_1394-17727dupCACCT).
Molecular consequence: intron variant. On other transcripts: non-coding transcript variant (1).
Genome position (GRCh38, 1-based): chr11:2,644,230-2,644,234, CACCT duplicated; duplicating any 5 consecutive bases within chr11:2,644,229-2,644,234 gives the same sequence; the c. name uses the placement nearest the transcript's 3' end. VCF-style (leftmost placement, unchanged base first): chr11-2644228-G-GTCACC. GRCh37 (hg19) VCF-style: chr11-2665458-G-GTCACC.
Other names: c.1124-17731_1124-17727dup (NM_001406837.1); c.1298-17731_1298-17727dup (NM_001406836.1); c.854-17731_854-17727dup (NM_001406838.1); c.1013-17731_1013-17727dup (NM_181798.2).
Identifiers: ClinVar variation 2641414 (VCV002641414.24), dbSNP rs369684558, ClinGen allele CA216156955.